The following is an entry in ClinVar:

NM_000051.4(ATM):c.2143C>T (p.Leu715Phe)

Gene: ATM (ATM serine/threonine kinase; plus strand). Cytogenetic location: 11q22.3.
Variant type: single nucleotide variant.
Coding change: c.2143C>T on transcript NM_000051.4 (MANE Select); coding-DNA position 2143, C replaced by T.
Protein change: p.Leu715Phe; replaces leucine 715 with phenylalanine.
Molecular consequence: missense variant.
Genome position (GRCh38, 1-based): chr11:108,256,233, C>T. VCF-style: chr11-108256233-C-T. GRCh37 (hg19) VCF-style: chr11-108126960-C-T.
Other names: c.2143C>T, p.Leu715Phe (NM_001351834.2); short protein forms L715F.
Identifiers: ClinVar variation 233505 (VCV000233505.6), dbSNP rs758864982, ClinGen allele CA10579040.

ClinVar aggregate classification (germline): Uncertain significance (1 of 4 stars; one submission).

Conditions:
Hereditary cancer-predisposing syndrome. Also called: Neoplastic Syndromes, Hereditary; Tumor predisposition; Hereditary Cancer Syndrome; Hereditary neoplastic syndrome. Identifiers: Orphanet 140162, MedGen C0027672, MeSH D009386, MONDO:0015356.

Submission:

Ambry Genetics
Classification: Uncertain significance for Hereditary cancer-predisposing syndrome. Last evaluated: 2023-03-21. Review status: criteria provided, single submitter. Criteria: Ambry Variant Classification Scheme 2023. Collection method: clinical testing. Allele origin: germline.
Comment: The p.L715F variant (also known as c.2143C>T), located in coding exon 13 of the ATM gene, results from a C to T substitution at nucleotide position 2143. The leucine at codon 715 is replaced by phenylalanine, an amino acid with highly similar properties. This amino acid position is highly conserved in available vertebrate species. In addition, this alteration is predicted to be tolerated by in silico analysis. Since supporting evidence is limited at this time, the clinical significance of this alteration remains unclear.